The following is an entry in ClinVar:

NM_000186.4(CFH):c.3478C>G (p.Pro1160Ala)

Gene: CFH (complement factor H; plus strand). Cytogenetic location: 1q31.3.
Variant type: single nucleotide variant.
Coding change: c.3478C>G on transcript NM_000186.4 (MANE Select); coding-DNA position 3478, C replaced by G.
Protein change: p.Pro1160Ala; replaces proline 1160 with alanine.
Molecular consequence: missense variant.
Genome position (GRCh38, 1-based): chr1:196,745,984, C>G. VCF-style: chr1-196745984-C-G. GRCh37 (hg19) VCF-style: chr1-196715114-C-G.
Other names: short protein forms P1160A.
Identifiers: ClinVar variation 2127726 (VCV002127726.4), dbSNP rs2529557332, ClinGen allele CA343986309.

ClinVar aggregate classification (germline): Uncertain significance (1 of 4 stars; one submission).

Allele frequency attached by ClinVar (database versions not stated): gnomAD exomes below 0.00001.
gnomAD v4.1: 2 of 1,614,096 alleles (0.00012%); highest among the groups gnomAD compares: Non-Finnish European, 0.00017%; no homozygotes.

Submission:

Labcorp Genetics (formerly Invitae), Labcorp
Classification: Uncertain significance. Last evaluated: 2022-08-12. Review status: criteria provided, single submitter. Criteria: Invitae Variant Classification Sherloc (09022015). Collection method: clinical testing. Allele origin: germline.
Comment: This sequence change replaces proline, which is neutral and non-polar, with alanine, which is neutral and non-polar, at codon 1160 of the CFH protein (p.Pro1160Ala). This variant is not present in population databases (gnomAD no frequency). This variant has not been reported in the literature in individuals affected with CFH-related conditions. Algorithms developed to predict the effect of missense changes on protein structure and function are either unavailable or do not agree on the potential impact of this missense change (SIFT: "Tolerated"; PolyPhen-2: "Probably Damaging"; Align-GVGD: "Class C0"). In summary, the available evidence is currently insufficient to determine the role of this variant in disease. Therefore, it has been classified as a Variant of Uncertain Significance.